The following is an entry in ClinVar:

ClinVar aggregate classification (germline): Uncertain significance (1 of 4 stars; one submission).

Allele frequency attached by ClinVar (database versions not stated): gnomAD exomes below 0.00001 and 0.00001; TOPMed below 0.00001.

Submission:

Labcorp Genetics (formerly Invitae), Labcorp
Classification: Uncertain significance. Last evaluated: 2024-06-17. Review status: criteria provided, single submitter. Criteria: Invitae Variant Classification Sherloc (09022015). Collection method: clinical testing. Allele origin: germline.
Comment: This sequence change replaces tryptophan, which is neutral and slightly polar, with cysteine, which is neutral and slightly polar, at codon 123 of the RBP4 protein (p.Trp123Cys). The frequency data for this variant in the population databases is considered unreliable, as metrics indicate poor data quality at this position in the gnomAD database. This missense change has been observed in individual(s) with clinical features of RBP4-related conditions (Invitae). ClinVar contains an entry for this variant (Variation ID: 954913). An algorithm developed to predict the effect of missense changes on protein structure and function (PolyPhen-2) suggests that this variant is likely to be disruptive. In summary, the available evidence is currently insufficient to determine the role of this variant in disease. Therefore, it has been classified as a Variant of Uncertain Significance.

NM_006744.4(RBP4):c.369G>T (p.Trp123Cys)

Gene: RBP4 (retinol binding protein 4; minus strand). Cytogenetic location: 10q23.33.
Variant type: single nucleotide variant.
Coding change: c.369G>T on transcript NM_006744.4 (MANE Select); coding-DNA position 369, G replaced by T.
Protein change: p.Trp123Cys; replaces tryptophan 123 with cysteine.
Molecular consequence: missense variant.
Genome position (GRCh38, 1-based): chr10:93,594,022, C>A on the plus strand (G>T on the coding strand, the complement: RBP4 is on the minus strand). VCF-style: chr10-93594022-C-A. GRCh37 (hg19) VCF-style: chr10-95353779-C-A.
Other names: c.369G>T, p.Trp123Cys (NM_001323517.1); c.363G>T, p.Trp121Cys (NM_001323518.2); short protein forms W121C, W123C.
Identifiers: ClinVar variation 954913 (VCV000954913.9), dbSNP rs1330964708, ClinGen allele CA377615924.